The following is an entry in ClinVar:

ClinVar aggregate classification (germline): Likely benign. Review status: criteria provided, single submitter (1 of 4 stars). 2 submissions from 2 submitters: Likely benign (1). 1 of the submissions does not count toward it. Last evaluated 2022-03-26.

Conditions:
EEF2-related disorder. Also called: EEF2-related condition.

Allele frequency attached by ClinVar (database versions not stated): ExAC 0.00006; 1000 Genomes Project 0.00060; 1000 Genomes Project 30x 0.00062.

Submissions (2):

Labcorp Genetics (formerly Invitae), Labcorp
Classification: Likely benign. Last evaluated: 2022-03-26. Review status: criteria provided, single submitter. Criteria: Invitae Variant Classification Sherloc (09022015). Collection method: clinical testing. Allele origin: germline.

PreventionGenetics, part of Exact Sciences
Classification: Likely benign for EEF2-related condition. Last evaluated: 2019-03-01. Review status: no assertion criteria provided. Collection method: clinical testing. Allele origin: germline. Not counted in ClinVar's aggregate classification.
Comment: This variant is classified as likely benign based on ACMG/AMP sequence variant interpretation guidelines (Richards et al. 2015 PMID: 25741868, with internal and published modifications).

NM_001961.4(EEF2):c.1962C>T (p.Pro654=)

Gene: EEF2 (eukaryotic translation elongation factor 2; minus strand). Cytogenetic location: 19p13.3.
Variant type: single nucleotide variant.
Coding change: c.1962C>T on transcript NM_001961.4 (MANE Select); coding-DNA position 1962, C replaced by T.
Protein change: p.Pro654=; no amino-acid change (proline 654 retained).
Molecular consequence: synonymous variant.
Genome position (GRCh38, 1-based): chr19:3,977,924, G>A on the plus strand (C>T on the coding strand, the complement: EEF2 is on the minus strand). VCF-style: chr19-3977924-G-A. GRCh37 (hg19) VCF-style: chr19-3977922-G-A.
Other names: c.1962C>T (NM_001961.3).
Identifiers: ClinVar variation 2418598 (VCV002418598.7), dbSNP rs112868528, ClinGen allele CA9088717.